The following is an entry in ClinVar:

NM_014915.3(ANKRD26):c.1572T>A (p.His524Gln)

Gene: ANKRD26 (ankyrin repeat domain 26; minus strand). Cytogenetic location: 10p12.1.
Variant type: single nucleotide variant.
Coding change: c.1572T>A on transcript NM_014915.3 (MANE Select); coding-DNA position 1572, T replaced by A.
Protein change: p.His524Gln; replaces histidine 524 with glutamine.
Molecular consequence: missense variant.
Genome position (GRCh38, 1-based): chr10:27,053,383, A>T on the plus strand (T>A on the coding strand, the complement: ANKRD26 is on the minus strand). VCF-style: chr10-27053383-A-T. GRCh37 (hg19) VCF-style: chr10-27342312-A-T.
Other names: c.1572T>A, p.His524Gln (NM_001256053.2); short protein forms H524Q.
Identifiers: ClinVar variation 5023540 (VCV005023540.1).

ClinVar aggregate classification (germline): Uncertain significance (1 of 4 stars; one submission).

Conditions:
Inborn genetic diseases. Identifiers: MedGen C0950123, MeSH D030342.

Submission:

Ambry Genetics
Classification: Uncertain significance for Inborn genetic diseases. Last evaluated: 2026-08-15. Review status: criteria provided, single submitter. Criteria: Ambry Variant Classification Scheme 2023. Collection method: clinical testing. Allele origin: germline.
Comment: The p.H524Q variant (also known as c.1572T>A), located in coding exon 16 of the ANKRD26 gene, results from a T to A substitution at nucleotide position 1572. The histidine at codon 524 is replaced by glutamine, an amino acid with highly similar properties. This amino acid position is conserved. In addition, this alteration is predicted to be tolerated by in silico analysis. Based on the available evidence, the clinical significance of this variant remains unclear.